The following is an entry in ClinVar:

NM_030930.4(UNC93B1):c.1250T>C (p.Phe417Ser)

Gene: UNC93B1 (unc-93B1 regulator of TLR signaling; minus strand). Cytogenetic location: 11q13.2.
Variant type: single nucleotide variant.
Coding change: c.1250T>C on transcript NM_030930.4 (MANE Select); coding-DNA position 1250, T replaced by C.
Protein change: p.Phe417Ser; replaces phenylalanine 417 with serine.
Molecular consequence: missense variant.
Genome position (GRCh38, 1-based): chr11:67,995,724, A>G on the plus strand (T>C on the coding strand, the complement: UNC93B1 is on the minus strand). VCF-style: chr11-67995724-A-G. GRCh37 (hg19) VCF-style: chr11-67763195-A-G.
Other names: short protein forms F417S.
Identifiers: ClinVar variation 2110309 (VCV002110309.4), dbSNP rs1160781200, ClinGen allele CA381570304.

ClinVar aggregate classification (germline): Uncertain significance (1 of 4 stars; one submission).

Conditions:
Encephalopathy, acute, infection-induced (herpes-specific), susceptibility to, 1. Also called: Herpes simplex encephalitis, susceptibility to, 1. Identifiers: Orphanet 1930, MedGen C2750180, MONDO:0024563, OMIM 610551.

Allele frequency attached by ClinVar (database versions not stated): gnomAD exomes 0.00001; TOPMed 0.00001.
gnomAD v4.1: 9 of 1,548,618 alleles (0.00058%); highest among the groups gnomAD compares: Non-Finnish European, 0.0007%; no homozygotes.

Submission:

Labcorp Genetics (formerly Invitae), Labcorp
Classification: Uncertain significance for Encephalopathy, acute, infection-induced (herpes-specific), susceptibility to, 1. Last evaluated: 2022-06-14. Review status: criteria provided, single submitter. Criteria: Invitae Variant Classification Sherloc (09022015). Collection method: clinical testing. Allele origin: germline.
Comment: In summary, the available evidence is currently insufficient to determine the role of this variant in disease. Therefore, it has been classified as a Variant of Uncertain Significance. Experimental studies and prediction algorithms are not available or were not evaluated, and the functional significance of this variant is currently unknown. This variant has not been reported in the literature in individuals affected with UNC93B1-related conditions. This variant is not present in population databases (gnomAD no frequency). This sequence change replaces phenylalanine, which is neutral and non-polar, with serine, which is neutral and polar, at codon 417 of the UNC93B1 protein (p.Phe417Ser).